The following is an entry in ClinVar:

NM_018089.3(ANKZF1):c.868G>T (p.Glu290Ter)

Gene: ANKZF1 (ankyrin repeat and zinc finger peptidyl tRNA hydrolase 1; plus strand). Cytogenetic location: 2q35.
Variant type: single nucleotide variant.
Coding change: c.868G>T on transcript NM_018089.3 (MANE Select); coding-DNA position 868, G replaced by T.
Protein change: p.Glu290Ter; replaces glutamic acid 290 with a stop codon.
Molecular consequence: nonsense.
Genome position (GRCh38, 1-based): chr2:219,233,763, G>T. VCF-style: chr2-219233763-G-T. GRCh37 (hg19) VCF-style: chr2-220098485-G-T.
Other names: c.868G>T, p.Glu290Ter (NM_001042410.2); c.238G>T, p.Glu80Ter (NM_001282792.2); short protein forms E290*, E80*.
Identifiers: ClinVar variation 4700770 (VCV004700770.1).

ClinVar aggregate classification (germline): Uncertain significance (1 of 4 stars; one submission).

Submission:

Labcorp Genetics (formerly Invitae), Labcorp
Classification: Uncertain significance. Last evaluated: 2026-01-26. Review status: criteria provided, single submitter. Criteria: Invitae Variant Classification Sherloc (09022015). Collection method: clinical testing. Allele origin: germline.
Comment: This sequence change creates a premature translational stop signal (p.Glu290*) in the ANKZF1 gene. It is expected to result in an absent or disrupted protein product. However, the current clinical and genetic evidence is not sufficient to establish whether loss-of-function variants in ANKZF1 cause disease. This variant is not present in population databases (gnomAD no frequency). This variant has not been reported in the literature in individuals affected with ANKZF1-related conditions. Algorithms developed to predict the effect of sequence changes on RNA splicing suggest that this variant may disrupt the consensus splice site. In summary, the available evidence is currently insufficient to determine the role of this variant in disease. Therefore, it has been classified as a Variant of Uncertain Significance.